The following is an entry in ClinVar:

NM_001011658.4(TRAPPC2):c.227T>C (p.Val76Ala)

Genes: OFD1 (OFD1 centriole and centriolar satellite protein; plus strand), TRAPPC2 (trafficking protein particle complex subunit 2; minus strand). Cytogenetic location: Xp22.2.
Variant type: single nucleotide variant.
Coding change: c.227T>C on transcript NM_001011658.4 (MANE Select); coding-DNA position 227, T replaced by C.
Protein change: p.Val76Ala; replaces valine 76 with alanine.
Molecular consequence: missense variant.
Genome position (GRCh38, 1-based): chrX:13,716,545, A>G on the plus strand (T>C on the coding strand, the complement: TRAPPC2 is on the minus strand). VCF-style: chrX-13716545-A-G. GRCh37 (hg19) VCF-style: chrX-13734664-A-G.
Other names: c.329T>C, p.Val110Ala (NM_001128835.3); c.227T>C, p.Val76Ala (NM_014563.6); short protein forms V110A, V76A.
Identifiers: ClinVar variation 4882351 (VCV004882351.2).

ClinVar aggregate classification (germline): Uncertain significance (1 of 4 stars; one submission).

Submission:

Dasa
Classification: Uncertain significance. Last evaluated: 2024-06-12. Review status: criteria provided, single submitter. Criteria: DASA Assertion Criteria. Collection method: clinical testing. Allele origin: germline.
Comment: NM_001011658.4(TRAPPC2):c.227T>C (p.Val76Ala) is a missense variant that results in the substitution of valine with alanine. This variant is rare in population databases. The currently available literature and clinical evidence are not sufficient to establish a definitive association between this variant and the reported condition. Therefore, this variant is classified as a variant of uncertain significance.